The following is an entry in ClinVar:

NM_020975.6(RET):c.2307= (p.Leu769=)

Gene: RET (ret proto-oncogene; plus strand). Cytogenetic location: 10q11.21.
Variant type: single nucleotide variant.
Coding change: c.2307= on transcript NM_020975.6 (MANE Select); coding-DNA position 2307, no change from the reference sequence.
Protein change: p.Leu769=; no amino-acid change (leucine 769 retained).
Molecular consequence: no sequence alteration. On other transcripts: synonymous variant (2).
Genome position: GRCh38 VCF-style: chr10-43118395-G-G. GRCh37 (hg19) VCF-style: chr10-43613843-G-G.
Other names: c.2307G=, p.Leu769= (NM_000323.2, NM_020629.2); c.1545=, p.Leu515= (NM_001355216.2); c.2307=, p.Leu769= (NM_001406743.1, NM_001406744.1, NM_001406759.1 and 2 more transcripts); c.2178=, p.Leu726= (NM_001406761.1, NM_001406762.1, NM_001406764.1); c.2172=, p.Leu724= (NM_001406763.1, NM_001406765.1); c.2019=, p.Leu673= (NM_001406766.1, NM_001406767.1, NM_001406770.1); c.2043=, p.Leu681= (NM_001406768.1); c.1911=, p.Leu637= (NM_001406769.1, NM_001406772.1); and 11 more.
Identifiers: ClinVar variation 24935 (VCV000024935.24), dbSNP rs1800861.
Genomic context (GRCh38, chr10:43,118,395, plus strand): 5'-GAGCGATCGTTTGCAACCTGCTCTGTGCTGCATTTCAGAGAACGCCTCCCCGAGTGAGCT[G=]CGAGACCTGCTGTCAGAGTTCAACGTCCTGAAGCAGGTCAACCACCCACATGTCATCAAA-3'
Protein context (NP_066124.1, residues 759-779): MLKENASPSE[Leu769=]RDLLSEFNVL

ClinVar aggregate classification (germline): Benign. Review status: criteria provided, multiple submitters, no conflicts (2 of 4 stars). 4 submissions from 4 submitters: Benign (4). Last evaluated 2026-02-04.

Conditions:
Multiple endocrine neoplasia, type 2 (MEN2). Identifiers: Orphanet 653, MedGen C4048306, MONDO:0019003. Disease mechanism: gain of function.

Allele frequency attached by ClinVar (database versions not stated): ESP Exome Variant Server 0.19737; gnomAD 0.20453 and 0.21513; TOPMed 0.20785; gnomAD exomes 0.24424 and 0.26079; ExAC 0.25809; 1000 Genomes Project 30x 0.27311; 1000 Genomes Project 0.28754.

Submissions (4):

Labcorp Genetics (formerly Invitae), Labcorp
Classification: Benign for Multiple endocrine neoplasia, type 2. Last evaluated: 2026-02-04. Review status: criteria provided, single submitter. Criteria: Invitae Variant Classification Sherloc (09022015). Collection method: clinical testing. Allele origin: germline.

ARUP Laboratories, Molecular Genetics and Genomics, ARUP Laboratories
Classification: Benign. Last evaluated: 2020-12-18. Review status: criteria provided, single submitter. Criteria: ARUP Molecular Germline Variant Investigation Process 2021. Collection method: clinical testing. Allele origin: germline.

Athena Diagnostics
Classification: Benign. Last evaluated: 2017-09-08. Review status: criteria provided, single submitter. Criteria: Athena Diagnostics Criteria. Collection method: clinical testing. Allele origin: germline.

Laboratory for Molecular Medicine, Mass General Brigham Personalized Medicine
Classification: Benign. Last evaluated: 2013-01-15. Review status: criteria provided, single submitter. Criteria: LMM Criteria. Collection method: clinical testing. Allele origin: germline. Observed: 1 variant allele.
Comment: Leu769Leu in exon 13 of RET: This variant is not expected to have clinical signi ficance because it does not alter an amino acid residue and is not located withi n the splice consensus sequence. It has been identified in 23% (2018/8600) of Eu ropean American chromosomes by the NHLBI Exome Sequencing Project (.; dbSNP rs1800861). Leu769Leu in exon 13 of RET (rs1800861 ; allele frequency = 23%, 2018/8600) **